The following is an entry in ClinVar:

ClinVar aggregate classification (germline): Uncertain significance. Review status: criteria provided, multiple submitters, no conflicts (2 of 4 stars). 2 submissions from 2 submitters: Uncertain significance (2). Last evaluated 2025-01-30.

Conditions:
Hereditary cancer-predisposing syndrome. Also called: Tumor predisposition; Hereditary neoplastic syndrome; Hereditary Cancer Syndrome; Neoplastic Syndromes, Hereditary. Identifiers: Orphanet 140162, MedGen C0027672, MeSH D009386, MONDO:0015356.
Familial cancer of breast. Also called: BREAST CANCER, FAMILIAL; Hereditary breast cancer; hereditary breast carcinoma. Identifiers: Orphanet 227535, MedGen C0346153, MONDO:0016419, OMIM 114480. Disease mechanism: loss of function.

Submissions (2):

Labcorp Genetics (formerly Invitae), Labcorp
Classification: Uncertain significance for Familial cancer of breast. Last evaluated: 2025-01-30. Review status: criteria provided, single submitter. Criteria: Invitae Variant Classification Sherloc (09022015). Collection method: clinical testing. Allele origin: germline.
Comment: This sequence change replaces proline, which is neutral and non-polar, with arginine, which is basic and polar, at codon 684 of the PALB2 protein (p.Pro684Arg). This variant is not present in population databases (gnomAD no frequency). This variant has not been reported in the literature in individuals affected with PALB2-related conditions. ClinVar contains an entry for this variant (Variation ID: 1051072). Invitae Evidence Modeling of protein sequence and biophysical properties (such as structural, functional, and spatial information, amino acid conservation, physicochemical variation, residue mobility, and thermodynamic stability) indicates that this missense variant is not expected to disrupt PALB2 protein function with a negative predictive value of 80%. In summary, the available evidence is currently insufficient to determine the role of this variant in disease. Therefore, it has been classified as a Variant of Uncertain Significance.

Ambry Genetics
Classification: Uncertain significance for Hereditary cancer-predisposing syndrome. Last evaluated: 2024-07-31. Review status: criteria provided, single submitter. Criteria: Ambry Variant Classification Scheme 2023. Collection method: clinical testing. Allele origin: germline.
Comment: The p.P684R variant (also known as c.2051C>G), located in coding exon 5 of the PALB2 gene, results from a C to G substitution at nucleotide position 2051. The proline at codon 684 is replaced by arginine, an amino acid with dissimilar properties. This amino acid position is not well conserved in available vertebrate species. In addition, this alteration is predicted to be tolerated by in silico analysis. Since supporting evidence is limited at this time, the clinical significance of this alteration remains unclear.

NM_024675.4(PALB2):c.2051C>G (p.Pro684Arg)

Gene: PALB2 (partner and localizer of BRCA2; minus strand). Cytogenetic location: 16p12.2.
Variant type: single nucleotide variant.
Coding change: c.2051C>G on transcript NM_024675.4 (MANE Select); coding-DNA position 2051, C replaced by G.
Protein change: p.Pro684Arg; replaces proline 684 with arginine.
Molecular consequence: missense variant.
Genome position (GRCh38, 1-based): chr16:23,630,103, G>C on the plus strand (C>G on the coding strand, the complement: PALB2 is on the minus strand). VCF-style: chr16-23630103-G-C. GRCh37 (hg19) VCF-style: chr16-23641424-G-C.
Other names: short protein forms P684R.
Identifiers: ClinVar variation 1051072 (VCV001051072.13), dbSNP rs2142382405, ClinGen allele CA395126812.
Genomic context (GRCh38, chr16:23,630,103, plus strand): 5'-AGTAATATGGATGAAGAAAGGCCCGTCTTTGTATGCTGGCTTTGCGAGTTTGGCCTTTTG[G>C]GATGTGATTTTCCTGGTAGAACAATAAGGTCCTCTTCTAAGTCCTCCATTTCTGTATCCA-3'
Protein context (NP_078951.2, residues 674-694): DLIVLPGKSH[Pro684Arg]KRPNSQSQHT